The following is an entry in ClinVar:

NM_000744.7(CHRNA4):c.1095G>A (p.Lys365=)

Gene: CHRNA4 (cholinergic receptor nicotinic alpha 4 subunit; minus strand). Cytogenetic location: 20q13.33.
Variant type: single nucleotide variant.
Coding change: c.1095G>A on transcript NM_000744.7 (MANE Select); coding-DNA position 1095, G replaced by A.
Protein change: p.Lys365=; no amino-acid change (lysine 365 retained).
Molecular consequence: synonymous variant. On other transcripts: non-coding transcript variant (1).
Genome position (GRCh38, 1-based): chr20:63,350,316, C>T on the plus strand (G>A on the coding strand, the complement: CHRNA4 is on the minus strand). VCF-style: chr20-63350316-C-T. GRCh37 (hg19) VCF-style: chr20-61981668-C-T.
Other names: p.K365K:AAG>AAA; c.567G>A, p.Lys189= (NM_001256573.2).
Identifiers: ClinVar variation 204995 (VCV000204995.3), dbSNP rs773525149, ClinGen allele CA313510.

ClinVar aggregate classification (germline): Benign/Likely benign. Review status: criteria provided, multiple submitters, no conflicts (2 of 4 stars). 2 submissions from 2 submitters: Benign (1); Likely benign (1). Last evaluated 2025-10-28.

Conditions:
Familial sleep-related hypermotor epilepsy. Also called: Autosomal Dominant Sleep-Related Hypermotor (Hyperkinetic) Epilepsy. Identifiers: Orphanet 98784, MedGen C3696898, MONDO:0000030.

Allele frequency attached by ClinVar (database versions not stated): gnomAD exomes 0.00001 and 0.00003; TOPMed 0.00001; ExAC 0.00002.
gnomAD v4.1: 19 of 1,613,278 alleles (0.0012%); highest among the groups gnomAD compares: South Asian, 0.014%; no homozygotes.

Submissions (2):

Labcorp Genetics (formerly Invitae), Labcorp
Classification: Likely benign. Last evaluated: 2025-10-28. Review status: criteria provided, single submitter. Criteria: Invitae Variant Classification Sherloc (09022015). Collection method: clinical testing. Allele origin: germline.

GeneDx
Classification: Benign. Last evaluated: 2014-09-23. Review status: criteria provided, single submitter. Criteria: GeneDx Variant Classification (06012015). Collection method: clinical testing. Allele origin: germline. Affected: yes.
Comment: This variant is considered likely benign or benign based on one or more of the following criteria: it is a conservative change, it occurs at a poorly conserved position in the protein, it is predicted to be benign by multiple in silico algorithms, and/or has population frequency not consistent with disease.